The following is an entry in ClinVar:

NM_004655.4(AXIN2):c.1388G>A (p.Arg463His)

Gene: AXIN2 (axin 2; minus strand). Cytogenetic location: 17q24.1.
Variant type: single nucleotide variant.
Coding change: c.1388G>A on transcript NM_004655.4 (MANE Select); coding-DNA position 1388, G replaced by A.
Protein change: p.Arg463His; replaces arginine 463 with histidine.
Molecular consequence: missense variant.
Genome position (GRCh38, 1-based): chr17:65,537,648, C>T on the plus strand (G>A on the coding strand, the complement: AXIN2 is on the minus strand). VCF-style: chr17-65537648-C-T. GRCh37 (hg19) VCF-style: chr17-63533766-C-T.
Other names: c.1388G>A (LRG_296t1); c.1388G>A, p.Arg463His (NM_001363813.1); short protein forms R463H.
Identifiers: ClinVar variation 571823 (VCV000571823.18), dbSNP rs1060502150, ClinGen allele CA400677601.

ClinVar aggregate classification (germline): Uncertain significance. Review status: criteria provided, multiple submitters, no conflicts (2 of 4 stars). 2 submissions from 2 submitters: Uncertain significance (2). Last evaluated 2026-04-15.

Conditions:
Oligodontia-cancer predisposition syndrome. Also called: TOOTH AGENESIS-COLORECTAL CANCER SYNDROME. Identifiers: Orphanet 300576, MedGen C1837750, MONDO:0012075, OMIM 608615. Disease mechanism: loss of function.
Hereditary cancer-predisposing syndrome. Also called: Tumor predisposition; Hereditary Cancer Syndrome; Neoplastic Syndromes, Hereditary; Hereditary neoplastic syndrome. Identifiers: Orphanet 140162, MedGen C0027672, MeSH D009386, MONDO:0015356.

Allele frequency attached by ClinVar (database versions not stated): TOPMed 0.00001; gnomAD exomes 0.00001.
gnomAD v4.1: 2 of 1,575,604 alleles (0.00013%); highest among the groups gnomAD compares: East Asian, 0.0023%; no homozygotes.

Submissions (2):

Ambry Genetics
Classification: Uncertain significance for Hereditary cancer-predisposing syndrome. Last evaluated: 2026-04-15. Review status: criteria provided, single submitter. Criteria: Ambry Variant Classification Scheme 2023. Collection method: clinical testing. Allele origin: germline.

Labcorp Genetics (formerly Invitae), Labcorp
Classification: Uncertain significance for Oligodontia-cancer predisposition syndrome. Last evaluated: 2025-11-10. Review status: criteria provided, single submitter. Criteria: Invitae Variant Classification Sherloc (09022015). Collection method: clinical testing. Allele origin: germline.
Comment: This sequence change replaces arginine, which is basic and polar, with histidine, which is basic and polar, at codon 463 of the AXIN2 protein (p.Arg463His). The frequency data for this variant in the population databases is considered unreliable, as metrics indicate poor data quality at this position in the gnomAD database. This variant has not been reported in the literature in individuals affected with AXIN2-related conditions. ClinVar contains an entry for this variant (Variation ID: 571823). Invitae Evidence Modeling of protein sequence and biophysical properties (such as structural, functional, and spatial information, amino acid conservation, physicochemical variation, residue mobility, and thermodynamic stability) has been performed for this missense variant. However, the output from this modeling did not meet the statistical confidence thresholds required to predict the impact of this variant on AXIN2 protein function. In summary, the available evidence is currently insufficient to determine the role of this variant in disease. Therefore, it has been classified as a Variant of Uncertain Significance.